The following is an entry in ClinVar:

ClinVar aggregate classification (germline): Conflicting classifications of pathogenicity. Review status: criteria provided, conflicting classifications (1 of 4 stars). 6 submissions from 6 submitters: Uncertain significance (1); Likely benign (5). Last evaluated 2026-08-17.

Conditions:
FANCA-related disorder. Also called: FANCA-related condition.
Inborn genetic diseases. Identifiers: MedGen C0950123, MeSH D030342.
Fanconi anemia (FA). Also called: Fanconi's anemia. Identifiers: Orphanet 84, MedGen C0015625, MeSH D005199, MONDO:0019391.
Fanconi anemia complementation group A (FANCA). Also called: FANCA-Related Fanconi Anemia; Fanconi anemia, group A. Identifiers: Orphanet 84, MedGen C3469521, MONDO:0009215, OMIM 227650.

Allele frequency attached by ClinVar (database versions not stated): gnomAD 0.00001; TOPMed 0.00001; gnomAD exomes 0.00002; ExAC 0.00003.
gnomAD v4.1: 22 of 1,613,036 alleles (0.0014%); highest among the groups gnomAD compares: Middle Eastern, 0.033%; no homozygotes.

Submissions (6):

PreventionGenetics, part of Exact Sciences
Classification: Likely benign for FANCA-related condition. Last evaluated: 2026-08-17. Review status: criteria provided, single submitter. Criteria: ACMG Guidelines, 2015. Collection method: clinical testing. Allele origin: germline.
Comment: This variant is classified as likely benign based on ACMG/AMP sequence variant interpretation guidelines (Richards et al. 2015 PMID: 25741868, with internal and published modifications).

CeGaT Center for Human Genetics Tuebingen
Classification: Likely benign. Last evaluated: 2025-05-01. Review status: criteria provided, single submitter. Criteria: CeGaT Center For Human Genetics Tuebingen Variant Classification Criteria Version 2. Collection method: clinical testing. Allele origin: germline. Affected: yes. Observed: 1 variant allele.
Comment: FANCA: BP4, BP7

Labcorp Genetics (formerly Invitae), Labcorp
Classification: Likely benign for Fanconi anemia. Last evaluated: 2025-01-07. Review status: criteria provided, single submitter. Criteria: Invitae Variant Classification Sherloc (09022015). Collection method: clinical testing. Allele origin: germline.

Ambry Genetics
Classification: Likely benign for Inborn genetic diseases. Last evaluated: 2024-11-26. Review status: criteria provided, single submitter. Criteria: Ambry Variant Classification Scheme 2023. Collection method: clinical testing. Allele origin: germline.

Blueprint Genetics
Classification: Likely benign. Last evaluated: 2023-11-14. Review status: criteria provided, single submitter. Criteria: ACMG Guidelines, 2015. Collection method: clinical testing. Allele origin: germline.

Illumina Laboratory Services, Illumina
Classification: Uncertain significance for Fanconi anemia complementation group A. Last evaluated: 2018-01-13. Review status: criteria provided, single submitter. Criteria: ICSL Variant Classification Criteria 13 December 2019. Collection method: clinical testing. Allele origin: germline.

NM_000135.4(FANCA):c.87G>A (p.Arg29=)

Gene: FANCA (FA complementation group A; minus strand). Cytogenetic location: 16q24.3.
Variant type: single nucleotide variant.
Coding change: c.87G>A on transcript NM_000135.4 (MANE Select); coding-DNA position 87, G replaced by A.
Protein change: p.Arg29=; no amino-acid change (arginine 29 retained).
Molecular consequence: synonymous variant.
Genome position (GRCh38, 1-based): chr16:89,815,979, C>T on the plus strand (G>A on the coding strand, the complement: FANCA is on the minus strand). VCF-style: chr16-89815979-C-T. GRCh37 (hg19) VCF-style: chr16-89882387-C-T.
Other names: c.87G>A (LRG_495t1); c.87G>A, p.Arg29= (NM_001018112.3, NM_001286167.3, NM_001351830.2).
Identifiers: ClinVar variation 414835 (VCV000414835.28), dbSNP rs760787108, ClinGen allele CA8253181.